The following is an entry in ClinVar:

ClinVar aggregate classification (germline): Uncertain significance. Review status: criteria provided, multiple submitters, no conflicts (2 of 4 stars). 3 submissions from 3 submitters: Uncertain significance (3). Last evaluated 2026-02-13.

Allele frequency attached by ClinVar (database versions not stated): TOPMed 0.00001; gnomAD exomes 0.00002.
gnomAD v4.1: 21 of 1,598,510 alleles (0.0013%); highest among the groups gnomAD compares: Non-Finnish European, 0.0018%; no homozygotes.

Submissions (3):

Women's Health and Genetics/Laboratory Corporation of America, LabCorp
Classification: Uncertain significance. Last evaluated: 2026-02-13. Review status: criteria provided, single submitter. Criteria: LabCorp Variant Classification Summary - May 2015. Collection method: clinical testing. Allele origin: germline.
Comment: Variant summary: ITPR1 c.7956A>C (p.Lys2652Asn) results in a non-conservative amino acid change in the encoded protein sequence. Algorithms developed to predict the effect of missense changes on protein structure and function are either unavailable or do not agree on the potential impact of this missense change. The variant allele was found at a frequency of 1.3e-05 in 1591650 control chromosomes (gnomAD). The occurrence in several carriers suggests that this variant is likely not associated with a high penetrance, severe, early onset disease phenotype in heterozygous state. To our knowledge, no occurrence of c.7956A>C in individuals affected with ITPR1-related conditions and no experimental evidence demonstrating its impact on protein function have been reported. ClinVar contains an entry for this variant (Variation ID: 2691669). Based on the evidence outlined above, the variant was classified as uncertain significance.

Blueprint Genetics
Classification: Uncertain significance. Last evaluated: 2024-11-04. Review status: criteria provided, single submitter. Criteria: ACMG Guidelines, 2015. Collection method: clinical testing. Allele origin: germline.

GeneDx
Classification: Uncertain significance. Last evaluated: 2023-11-21. Review status: criteria provided, single submitter. Criteria: GeneDx Variant Classification Process June 2021. Collection method: clinical testing. Allele origin: germline. Affected: yes.
Comment: In silico analysis supports that this missense variant does not alter protein structure/function; Has not been previously published as pathogenic or benign to our knowledge

NM_001378452.1(ITPR1):c.8145A>C (p.Lys2715Asn)

Gene: ITPR1 (inositol 1,4,5-trisphosphate receptor type 1; plus strand). Cytogenetic location: 3p26.1.
Variant type: single nucleotide variant.
Coding change: c.8145A>C on transcript NM_001378452.1 (MANE Select); coding-DNA position 8145, A replaced by C.
Protein change: p.Lys2715Asn; replaces lysine 2715 with asparagine.
Molecular consequence: missense variant.
Genome position (GRCh38, 1-based): chr3:4,836,890, A>C. VCF-style: chr3-4836890-A-C. GRCh37 (hg19) VCF-style: chr3-4878574-A-C.
Other names: c.7956A>C (NM_002222.5); c.8001A>C, p.Lys2667Asn (NM_001099952.4); c.8100A>C, p.Lys2700Asn (NM_001168272.2); c.7956A>C, p.Lys2652Asn (NM_002222.7); short protein forms K2652N, K2667N, K2700N, K2715N.
Identifiers: ClinVar variation 2691669 (VCV002691669.4), dbSNP rs1335489745, ClinGen allele CA351793825.